The following is an entry in ClinVar:

ClinVar aggregate classification (germline): Likely benign (1 of 4 stars; one submission).

gnomAD v4.1: 51 of 1,613,846 alleles (0.0032%); highest among the groups gnomAD compares: Admixed American, 0.018%; no homozygotes.

Submission:

CeGaT Center for Human Genetics Tuebingen
Classification: Likely benign. Last evaluated: 2026-05-01. Review status: criteria provided, single submitter. Criteria: CeGaT Center For Human Genetics Tuebingen Variant Classification Criteria Version 2. Collection method: clinical testing. Allele origin: germline. Affected: yes. Observed: 1 variant allele.
Comment: CCNF: BP4

NM_001761.3(CCNF):c.930-4G>A

Genes: CCNF (cyclin F; plus strand), MIR6767 (microRNA 6767; plus strand). Cytogenetic location: 16p13.3.
Variant type: single nucleotide variant.
Coding change: c.930-4G>A on transcript NM_001761.3 (MANE Select); 4 bases into the intron before coding-DNA position 930, G replaced by A.
Molecular consequence: intron variant. On other transcripts: non-coding transcript variant (1).
Genome position (GRCh38, 1-based): chr16:2,445,454, G>A. VCF-style: chr16-2445454-G-A. GRCh37 (hg19) VCF-style: chr16-2495455-G-A.
Other names: c.6-4G>A (NM_001323538.2).
Identifiers: ClinVar variation 4872548 (VCV004872548.2).